The following is an entry in ClinVar:

ClinVar aggregate classification (germline): Uncertain significance. Review status: criteria provided, multiple submitters, no conflicts (2 of 4 stars). 3 submissions from 3 submitters: Uncertain significance (3). Last evaluated 2024-01-11.

Conditions:
Inborn genetic diseases. Identifiers: MedGen C0950123, MeSH D030342.
Juvenile nephropathic cystinosis. Also called: Intermediate Cystinosis; CYSTINOSIS, LATE-ONSET JUVENILE OR ADOLESCENT NEPHROPATHIC TYPE; Later-Onset (Juvenile) Cystinosis. Identifiers: Orphanet 213, Orphanet 411634, MedGen C0268626, MONDO:0009066, OMIM 219900.
Ocular cystinosis. Also called: Non-Nephropathic Cystinosis; Non-Nephropathic (Ocular) Cystinosis. Identifiers: Orphanet 213, Orphanet 411641, MedGen C2931013, MONDO:0009064, OMIM 219750.
Nephropathic cystinosis (CTNS). Also called: Abderhalden Lignac Kaufmann disease; Abderhalden-Kaufmann-Lignac syndrome; CYSTINOSIN, DEFECT OF; LYSOSOMAL CYSTINE TRANSPORT PROTEIN, DEFECT OF. Identifiers: Orphanet 213, Orphanet 411629, MedGen C2931187, MONDO:0100151, OMIM 219800.

Allele frequency attached by ClinVar (database versions not stated): gnomAD exomes 0.00001; TOPMed 0.00001; ExAC 0.00002.
gnomAD v4.1: 4 of 1,608,788 alleles (0.00025%); highest among the groups gnomAD compares: East Asian, 0.0022%; no homozygotes.

Submissions (3):

Fulgent Genetics
Classification: Uncertain significance for Ocular cystinosis; Nephropathic cystinosis; Juvenile nephropathic cystinosis. Last evaluated: 2024-01-11. Review status: criteria provided, single submitter. Criteria: ACMG Guidelines, 2015. Collection method: clinical testing. Allele origin: germline.

Baylor Genetics
Classification: Uncertain significance for Nephropathic cystinosis. Last evaluated: 2022-01-17. Review status: criteria provided, single submitter. Criteria: ACMG Guidelines, 2015. Collection method: clinical testing. Allele origin: unknown.

Labcorp Genetics (formerly Invitae), Labcorp
Classification: Uncertain significance for Inborn genetic diseases; Ocular cystinosis; Juvenile nephropathic cystinosis. Last evaluated: 2021-10-25. Review status: criteria provided, single submitter. Criteria: Invitae Variant Classification Sherloc (09022015). Collection method: clinical testing. Allele origin: germline.
Comment: This sequence change replaces arginine with cysteine at codon 228 of the CTNS protein (p.Arg228Cys). The arginine residue is highly conserved and there is a large physicochemical difference between arginine and cysteine. The frequency data for this variant in the population databases is considered unreliable, as metrics indicate poor data quality at this position in the ExAC database. This variant has not been reported in the literature in individuals with CTNS-related conditions. Algorithms developed to predict the effect of missense changes on protein structure and function (SIFT, PolyPhen-2, Align-GVGD) all suggest that this variant is likely to be disruptive, but these predictions have not been confirmed by published functional studies and their clinical significance is uncertain. Algorithms developed to predict the effect of sequence changes on RNA splicing suggest that this variant may create or strengthen a splice site, but this prediction has not been confirmed by published transcriptional studies. In summary, the available evidence is currently insufficient to determine the role of this variant in disease. Therefore, it has been classified as a Variant of Uncertain Significance.

NM_004937.3(CTNS):c.682C>T (p.Arg228Cys)

Genes: CTNS (cystinosin, lysosomal cystine transporter; plus strand), CTNS-AS1 (CTNS antisense RNA 1; minus strand). Cytogenetic location: 17p13.2.
Variant type: single nucleotide variant.
Coding change: c.682C>T on transcript NM_004937.3 (MANE Select); coding-DNA position 682, C replaced by T.
Protein change: p.Arg228Cys; replaces arginine 228 with cysteine.
Molecular consequence: missense variant.
Genome position (GRCh38, 1-based): chr17:3,658,005, C>T. VCF-style: chr17-3658005-C-T. GRCh37 (hg19) VCF-style: chr17-3561299-C-T.
Other names: c.682C>T, p.Arg228Cys (NM_001031681.3, NM_001374492.1); c.241C>T, p.Arg81Cys (NM_001374493.1, NM_001374494.1, NM_001374495.1 and 1 more transcripts); short protein forms R228C, R81C.
Identifiers: ClinVar variation 1417838 (VCV001417838.8), dbSNP rs764538705, ClinGen allele CA8291853.